The following is an entry in ClinVar:

ClinVar aggregate classification (germline): Likely benign (1 of 4 stars; one submission).

Conditions:
Frontotemporal dementia and/or amyotrophic lateral sclerosis 1 (FTDALS1). Also called: C9orf72 Frontotemporal Dementia and/or Amyotrophic Lateral Sclerosis; Frontotemporal dementia with motor neuron disease 1. Identifiers: Orphanet 275872, MedGen C5779877, MONDO:0007105, OMIM 105550.

Allele frequency attached by ClinVar (database versions not stated): gnomAD 0.00001; gnomAD exomes 0.00002 and 0.00004; TOPMed 0.00002; ExAC 0.00004.
gnomAD v4.1: 38 of 1,610,072 alleles (0.0024%); highest among the groups gnomAD compares: East Asian, 0.031%; no homozygotes.

Submission:

Illumina Laboratory Services, Illumina
Classification: Likely benign for Frontotemporal dementia and/or amyotrophic lateral sclerosis 1. Last evaluated: 2018-01-13. Review status: criteria provided, single submitter. Criteria: ICSL Variant Classification Criteria 13 December 2019. Collection method: clinical testing. Allele origin: germline.
Comment: This variant was observed in the ICSL laboratory as part of a predisposition screen in an ostensibly healthy population. It had not been previously curated by ICSL or reported in the Human Gene Mutation Database (HGMD: prior to June 1st, 2018), and was therefore a candidate for classification through an automated scoring system. Utilizing variant allele frequency, disease prevalence and penetrance estimates, and inheritance mode, an automated score was calculated to assess if this variant is too frequent to cause the disease. Based on the score and internal cut-off values, a variant classified as likely benign is not then subjected to further curation. The score for this variant resulted in a classification of likely benign for this disease.

NM_018325.5(C9orf72):c.703G>A (p.Val235Ile)

Gene: C9orf72 (C9orf72-SMCR8 complex subunit; minus strand). Cytogenetic location: 9p21.2.
Variant type: single nucleotide variant.
Coding change: c.703G>A on transcript NM_018325.5 (MANE Select); coding-DNA position 703, G replaced by A.
Protein change: p.Val235Ile; replaces valine 235 with isoleucine.
Molecular consequence: missense variant.
Genome position (GRCh38, 1-based): chr9:27,560,262, C>T on the plus strand (G>A on the coding strand, the complement: C9orf72 is on the minus strand). VCF-style: chr9-27560262-C-T. GRCh37 (hg19) VCF-style: chr9-27560260-C-T.
Other names: c.703G>A, p.Val235Ile (NM_001256054.3); short protein forms V235I.
Identifiers: ClinVar variation 913323 (VCV000913323.4), dbSNP rs781214485, ClinGen allele CA5017869.